The following is an entry in ClinVar:

NM_001365951.3(KIF1B):c.5141T>A (p.Leu1714His)

Gene: KIF1B (kinesin family member 1B; plus strand). Cytogenetic location: 1p36.22.
Variant type: single nucleotide variant.
Coding change: c.5141T>A on transcript NM_001365951.3 (MANE Select); coding-DNA position 5141, T replaced by A.
Protein change: p.Leu1714His; replaces leucine 1714 with histidine.
Molecular consequence: missense variant.
Genome position (GRCh38, 1-based): chr1:10,374,898, T>A. VCF-style: chr1-10374898-T-A. GRCh37 (hg19) VCF-style: chr1-10434956-T-A.
Other names: c.5141T>A, p.Leu1714His (NM_001365952.1); c.5003T>A, p.Leu1668His (NM_015074.3); short protein forms L1668H, L1714H.
Identifiers: ClinVar variation 1744729 (VCV001744729.2), dbSNP rs2521982346, ClinGen allele CA338330436.

ClinVar aggregate classification (germline): Uncertain significance (1 of 4 stars; one submission).

Submission:

Ambry Genetics
Classification: Uncertain significance. Last evaluated: 2022-06-22. Review status: criteria provided, single submitter. Criteria: Ambry Variant Classification Scheme 2023. Collection method: clinical testing. Allele origin: germline.
Comment: The p.L1668H variant (also known as c.5003T>A), located in coding exon 44 of the KIF1B gene, results from a T to A substitution at nucleotide position 5003. The leucine at codon 1668 is replaced by histidine, an amino acid with similar properties. This amino acid position is conserved. In addition, this alteration is predicted to be tolerated by in silico analysis. Since supporting evidence is limited at this time, the clinical significance of this alteration remains unclear.